The following is an entry in ClinVar:

ClinVar aggregate classification (germline): Uncertain significance. Review status: criteria provided, multiple submitters, no conflicts (2 of 4 stars). 2 submissions from 2 submitters: Uncertain significance (2). Last evaluated 2025-10-03.

Conditions:
Hereditary cancer-predisposing syndrome. Also called: Neoplastic Syndromes, Hereditary; Tumor predisposition; Hereditary Cancer Syndrome; Hereditary neoplastic syndrome. Identifiers: Orphanet 140162, MedGen C0027672, MeSH D009386, MONDO:0015356.

Allele frequency attached by ClinVar (database versions not stated): gnomAD exomes below 0.00001.
gnomAD v4.1: 1 of 1,586,964 alleles (0.000063%); highest among the groups gnomAD compares: Non-Finnish European, 0.000085%; no homozygotes.

Submissions (2):

Ambry Genetics
Classification: Uncertain significance for Hereditary cancer-predisposing syndrome. Last evaluated: 2025-10-03. Review status: criteria provided, single submitter. Criteria: Ambry Variant Classification Scheme 2023. Collection method: clinical testing. Allele origin: germline.
Comment: The p.P29L variant (also known as c.86C>T), located in coding exon 1 of the NTHL1 gene, results from a C to T substitution at nucleotide position 86. The proline at codon 29 is replaced by leucine, an amino acid with similar properties. This amino acid position is not well conserved in available vertebrate species. In addition, this alteration is predicted to be tolerated by in silico analysis. Since supporting evidence is limited at this time, the clinical significance of this alteration remains unclear.

Labcorp Genetics (formerly Invitae), Labcorp
Classification: Uncertain significance. Last evaluated: 2018-08-13. Review status: criteria provided, single submitter. Criteria: Invitae Variant Classification Sherloc (09022015). Collection method: clinical testing. Allele origin: germline.
Comment: In summary, the available evidence is currently insufficient to determine the role of this variant in disease. Therefore, it has been classified as a Variant of Uncertain Significance. Algorithms developed to predict the effect of missense changes on protein structure and function output the following: SIFT: "Tolerated"; PolyPhen-2: "Benign"; Align-GVGD: "Class C0". The leucine amino acid residue is found in multiple mammalian species, suggesting that this missense change does not adversely affect protein function. These predictions have not been confirmed by published functional studies and their clinical significance is uncertain. This variant has not been reported in the literature in individuals with NTHL1-related disease. This variant is not present in population databases (ExAC no frequency). This sequence change replaces proline with leucine at codon 29 of the NTHL1 protein (p.Pro29Leu). The proline residue is weakly conserved and there is a moderate physicochemical difference between proline and leucine.

NM_002528.7(NTHL1):c.62C>T (p.Pro21Leu)

Gene: NTHL1 (nth like DNA glycosylase 1; minus strand). Cytogenetic location: 16p13.3.
Variant type: single nucleotide variant.
Coding change: c.62C>T on transcript NM_002528.7 (MANE Select); coding-DNA position 62, C replaced by T.
Protein change: p.Pro21Leu; replaces proline 21 with leucine.
Molecular consequence: missense variant. On other transcripts: 5 prime UTR variant (1).
Genome position (GRCh38, 1-based): chr16:2,047,762, G>A on the plus strand (C>T on the coding strand, the complement: NTHL1 is on the minus strand). VCF-style: chr16-2047762-G-A. GRCh37 (hg19) VCF-style: chr16-2097763-G-A.
Other names: c.62C>T, p.Pro21Leu (NM_001318193.2, LRG_1366t1); c.-117C>T (NM_001318194.2); c.86C>T (NM_002528.5); short protein forms P21L.
Identifiers: ClinVar variation 652584 (VCV000652584.10), dbSNP rs753200685, ClinGen allele CA394298440.